The following is an entry in ClinVar:

NM_003721.4(RFXANK):c.680T>C (p.Met227Thr)

Gene: RFXANK (regulatory factor X associated ankyrin containing protein; plus strand). Cytogenetic location: 19p13.11.
Variant type: single nucleotide variant.
Coding change: c.680T>C on transcript NM_003721.4 (MANE Select); coding-DNA position 680, T replaced by C.
Protein change: p.Met227Thr; replaces methionine 227 with threonine.
Molecular consequence: missense variant.
Genome position (GRCh38, 1-based): chr19:19,199,202, T>C. VCF-style: chr19-19199202-T-C. GRCh37 (hg19) VCF-style: chr19-19310011-T-C.
Other names: c.614T>C, p.Met205Thr (NM_001278727.2, NM_001370234.1); c.611T>C, p.Met204Thr (NM_001278728.2, NM_134440.3); c.680T>C, p.Met227Thr (NM_001370233.1, NM_001370238.1); c.677T>C, p.Met226Thr (NM_001370235.1, NM_001370236.1, NM_001370237.1); short protein forms M204T, M227T, M226T, M205T.
Identifiers: ClinVar variation 4771283 (VCV004771283.1).

ClinVar aggregate classification (germline): Uncertain significance (1 of 4 stars; one submission).

Conditions:
MHC class II deficiency. Also called: BLS, TYPE II; Bare lymphocyte syndrome 2. Identifiers: Orphanet 572, MedGen C5447452, MONDO:0008855.

gnomAD v4.1: 4 of 1,613,922 alleles (0.00025%); highest among the groups gnomAD compares: South Asian, 0.0022%; no homozygotes.

Submission:

Labcorp Genetics (formerly Invitae), Labcorp
Classification: Uncertain significance for MHC class II deficiency. Last evaluated: 2026-01-17. Review status: criteria provided, single submitter. Criteria: Invitae Variant Classification Sherloc (09022015). Collection method: clinical testing. Allele origin: germline.
Comment: This sequence change replaces methionine, which is neutral and non-polar, with threonine, which is neutral and polar, at codon 227 of the RFXANK protein (p.Met227Thr). This variant is present in population databases (rs764732273, gnomAD 0.003%). This variant has not been reported in the literature in individuals affected with RFXANK-related conditions. Invitae Evidence Modeling of protein sequence and biophysical properties (such as structural, functional, and spatial information, amino acid conservation, physicochemical variation, residue mobility, and thermodynamic stability) indicates that this missense variant is not expected to disrupt RFXANK protein function with a negative predictive value of 80%. In summary, the available evidence is currently insufficient to determine the role of this variant in disease. Therefore, it has been classified as a Variant of Uncertain Significance.